The following is an entry in ClinVar:

NM_000784.4(CYP27A1):c.-6C>T

Gene: CYP27A1 (cytochrome P450 family 27 subfamily A member 1; plus strand). Cytogenetic location: 2q35.
Variant type: single nucleotide variant.
Coding change: c.-6C>T on transcript NM_000784.4 (MANE Select); 6 bases upstream of the start codon, C replaced by T.
Molecular consequence: 5 prime UTR variant.
Genome position (GRCh38, 1-based): chr2:218,782,177, C>T. VCF-style: chr2-218782177-C-T. GRCh37 (hg19) VCF-style: chr2-219646900-C-T.
Identifiers: ClinVar variation 193124 (VCV000193124.15), dbSNP rs199891090, ClinGen allele CA200332.

ClinVar aggregate classification (germline): Conflicting classifications of pathogenicity. Review status: criteria provided, conflicting classifications (1 of 4 stars). 5 submissions from 5 submitters: Uncertain significance (1); Benign (3). 1 of the submissions does not count toward it. Last evaluated 2023-02-13.

Conditions:
Cholestanol storage disease (CTX). Also called: CTX: Cerebrotendinous xanthomatosis; CEREBRAL CHOLESTERINOSIS; Cerebrotendinous Xanthomatosis. Identifiers: Orphanet 909, MedGen C0238052, MONDO:0008948, OMIM 213700.

Allele frequency attached by ClinVar (database versions not stated): ExAC 0.00045; ESP Exome Variant Server 0.00536; 1000 Genomes Project 0.00639; gnomAD 0.00673; TOPMed 0.00745; 1000 Genomes Project 30x 0.00781.

Submissions (5):

Mayo Clinic Laboratories, Mayo Clinic
Classification: Benign. Last evaluated: 2023-02-13. Review status: criteria provided, single submitter. Criteria: ACMG Guidelines, 2015. Collection method: clinical testing. Allele origin: germline. Observed: 15 variant alleles.
Comment: BS1, BS2

GeneDx
Classification: Benign. Last evaluated: 2020-02-07. Review status: criteria provided, single submitter. Criteria: GeneDx Variant Classification Process June 2021. Collection method: clinical testing. Allele origin: germline. Affected: yes.

Illumina Laboratory Services, Illumina
Classification: Uncertain significance for Cholestanol storage disease. Last evaluated: 2018-01-12. Review status: criteria provided, single submitter. Criteria: ICSL Variant Classification Criteria 13 December 2019. Collection method: clinical testing. Allele origin: germline.

Eurofins Ntd Llc (ga)
Classification: Benign. Last evaluated: 2015-01-05. Review status: criteria provided, single submitter. Criteria: EGL Classification Definitions 2015. Collection method: clinical testing. Allele origin: germline. Observed: 2 variant alleles, 2 heterozygotes.

Natera, Inc.
Classification: Benign for Cerebrotendinous xanthomatosis. Last evaluated: 2019-10-18. Review status: no assertion criteria provided. Collection method: clinical testing. Allele origin: germline. Not counted in ClinVar's aggregate classification.